The following is an entry in ClinVar:

NM_138694.4(PKHD1):c.7911+1G>T

Gene: PKHD1 (PKHD1 ciliary IPT domain containing fibrocystin/polyductin; minus strand). Cytogenetic location: 6p12.2.
Variant type: single nucleotide variant.
Coding change: c.7911+1G>T on transcript NM_138694.4 (MANE Select); the canonical splice donor site of the intron after coding-DNA position 7911, G replaced by T.
Molecular consequence: splice donor variant.
Genome position (GRCh38, 1-based): chr6:51,855,892, C>A on the plus strand (G>T on the coding strand, the complement: PKHD1 is on the minus strand). VCF-style: chr6-51855892-C-A. GRCh37 (hg19) VCF-style: chr6-51720690-C-A.
Other names: c.7911+1G>T (NM_170724.3).
Identifiers: ClinVar variation 4059840 (VCV004059840.2).

ClinVar aggregate classification (germline): Likely pathogenic (1 of 4 stars; one submission).

Conditions:
Autosomal recessive polycystic kidney disease (ARPKD). Also called: AR polycystic kidney disease. Identifiers: Orphanet 731, Orphanet 8378, MedGen C0085548, MeSH D017044, MONDO:0009889.

gnomAD v4.1: 3 of 1,610,052 alleles (0.00019%); highest among the groups gnomAD compares: Non-Finnish European, 0.00026%; no homozygotes.

Submission:

Natera, Inc.
Classification: Likely pathogenic for Autosomal recessive polycystic kidney disease. Last evaluated: 2025-05-17. Review status: criteria provided, single submitter. Criteria: Natera Variant Classification Schema (03/2026). Collection method: clinical testing. Allele origin: germline.
Comment: The c.7911+1G>T variant in PKHD1 is a canonical splice donor site variant predicted to affect pre-mRNA splicing, which may result in an abnormal transcript and altered protein product. This variant is expected to result in nonsense mediated decay, truncation, or a dysfunctional protein product. This variant is rare in the general population with a frequency below the threshold expected for the associated phenotype(s). Given the available evidence, this variant is classified as Likely Pathogenic.